The following is an entry in ClinVar:

ClinVar aggregate classification (germline): Uncertain significance (1 of 4 stars; one submission).

Conditions:
Alpha thalassemia-X-linked intellectual disability syndrome (ATRX). Also called: ALPHA-THALASSEMIA/MENTAL RETARDATION SYNDROME, X-LINKED; ATR, NONDELETION TYPE; ATR-X syndrome; Alpha thalassemia mental retardation syndrome, nondeletion type, X-linked; XLMR hypotonic face syndrome; X-linked alpha-thalassemia-mental retardation syndrome. Identifiers: Orphanet 847, MedGen C1845055, MONDO:0010519, OMIM 301040.

gnomAD v4.1: 4 of 1,211,341 alleles (0.00033%); highest among the groups gnomAD compares: Non-Finnish European, 0.00045%; no homozygotes.

Submission:

Labcorp Genetics (formerly Invitae), Labcorp
Classification: Uncertain significance for Alpha thalassemia-X-linked intellectual disability syndrome. Last evaluated: 2023-05-23. Review status: criteria provided, single submitter. Criteria: Invitae Variant Classification Sherloc (09022015). Collection method: clinical testing. Allele origin: germline.
Comment: Advanced modeling of protein sequence and biophysical properties (such as structural, functional, and spatial information, amino acid conservation, physicochemical variation, residue mobility, and thermodynamic stability) performed at Invitae indicates that this missense variant is not expected to disrupt ATRX protein function. In summary, the available evidence is currently insufficient to determine the role of this variant in disease. Therefore, it has been classified as a Variant of Uncertain Significance. This variant has not been reported in the literature in individuals affected with ATRX-related conditions. This variant is not present in population databases (gnomAD no frequency). This sequence change replaces glutamic acid, which is acidic and polar, with glycine, which is neutral and non-polar, at codon 537 of the ATRX protein (p.Glu537Gly).

NM_000489.6(ATRX):c.1610A>G (p.Glu537Gly)

Gene: ATRX (ATRX chromatin remodeler; minus strand). Cytogenetic location: Xq21.1.
Variant type: single nucleotide variant.
Coding change: c.1610A>G on transcript NM_000489.6 (MANE Select); coding-DNA position 1610, A replaced by G.
Protein change: p.Glu537Gly; replaces glutamic acid 537 with glycine.
Molecular consequence: missense variant.
Genome position (GRCh38, 1-based): chrX:77,683,646, T>C on the plus strand (A>G on the coding strand, the complement: ATRX is on the minus strand). VCF-style: chrX-77683646-T-C. GRCh37 (hg19) VCF-style: chrX-76939138-T-C.
Other names: c.1496A>G, p.Glu499Gly (NM_138270.5); short protein forms E499G, E537G.
Identifiers: ClinVar variation 2957473 (VCV002957473.3), dbSNP rs1557141204, ClinGen allele CA413717177.